The following is an entry in ClinVar:

NM_001290043.2(TAP2):c.1272+6C>T

Gene: TAP2 (transporter 2, ATP binding cassette subfamily B member; minus strand). Cytogenetic location: 6p21.32.
Variant type: single nucleotide variant.
Coding change: c.1272+6C>T on transcript NM_001290043.2 (MANE Select); 6 bases into the intron after coding-DNA position 1272, C replaced by T.
Molecular consequence: intron variant.
Genome position (GRCh38, 1-based): chr6:32,832,327, G>A on the plus strand (C>T on the coding strand, the complement: TAP2 is on the minus strand). VCF-style: chr6-32832327-G-A. GRCh37 (hg19) VCF-style: chr6-32800104-G-A.
Other names: c.1272+6C>T (NM_018833.3).
Identifiers: ClinVar variation 1027053 (VCV001027053.4), dbSNP rs773119824, ClinGen allele CA3745957.

ClinVar aggregate classification (germline): Uncertain significance (1 of 4 stars; one submission).

Conditions:
MHC class I deficiency. Identifiers: Orphanet 34592, MedGen C6024714, MONDO:0011476.

Allele frequency attached by ClinVar (database versions not stated): gnomAD 0.00003; gnomAD exomes 0.00006 and 0.00002; ExAC 0.00002; TOPMed 0.00004.

Submission:

Labcorp Genetics (formerly Invitae), Labcorp
Classification: Uncertain significance for MHC class I deficiency 1. Last evaluated: 2022-07-13. Review status: criteria provided, single submitter. Criteria: Invitae Variant Classification Sherloc (09022015). Collection method: clinical testing. Allele origin: germline.
Comment: This sequence change falls in intron 7 of the TAP2 gene. It does not directly change the encoded amino acid sequence of the TAP2 protein. It affects a nucleotide within the consensus splice site. This variant is present in population databases (rs773119824, gnomAD 0.004%). This variant has not been reported in the literature in individuals affected with TAP2-related conditions. ClinVar contains an entry for this variant (Variation ID: 1027053). Variants that disrupt the consensus splice site are a relatively common cause of aberrant splicing (PMID: 17576681, 9536098). Algorithms developed to predict the effect of sequence changes on RNA splicing suggest that this variant may create or strengthen a splice site. In summary, the available evidence is currently insufficient to determine the role of this variant in disease. Therefore, it has been classified as a Variant of Uncertain Significance.

Literature cited by the submitters: PubMed 17576681; PubMed 9536098.